The following is an entry in ClinVar:

ClinVar aggregate classification (germline): Uncertain significance (1 of 4 stars; one submission).

Allele frequency attached by ClinVar (database versions not stated): ExAC 0.00002; gnomAD exomes 0.00002; TOPMed 0.00003; gnomAD 0.00004; ESP Exome Variant Server 0.00008.
gnomAD v4.1: 39 of 1,613,706 alleles (0.0024%); highest among the groups gnomAD compares: Middle Eastern, 0.066%; no homozygotes.

Submission:

Labcorp Genetics (formerly Invitae), Labcorp
Classification: Uncertain significance. Last evaluated: 2025-11-30. Review status: criteria provided, single submitter. Criteria: Invitae Variant Classification Sherloc (09022015). Collection method: clinical testing. Allele origin: germline.
Comment: This sequence change replaces lysine, which is basic and polar, with arginine, which is basic and polar, at codon 666 of the DCHS1 protein (p.Lys666Arg). This variant is present in population databases (rs370633690, gnomAD 0.01%). This variant has not been reported in the literature in individuals affected with DCHS1-related conditions. ClinVar contains an entry for this variant (Variation ID: 2152562). Invitae Evidence Modeling of protein sequence and biophysical properties (such as structural, functional, and spatial information, amino acid conservation, physicochemical variation, residue mobility, and thermodynamic stability) has been performed for this missense variant. However, the output from this modeling did not meet the statistical confidence thresholds required to predict the impact of this variant on DCHS1 protein function. In summary, the available evidence is currently insufficient to determine the role of this variant in disease. Therefore, it has been classified as a Variant of Uncertain Significance.

NM_003737.4(DCHS1):c.1997A>G (p.Lys666Arg)

Gene: DCHS1 (dachsous cadherin-related 1; minus strand). Cytogenetic location: 11p15.4.
Variant type: single nucleotide variant.
Coding change: c.1997A>G on transcript NM_003737.4 (MANE Select); coding-DNA position 1997, A replaced by G.
Protein change: p.Lys666Arg; replaces lysine 666 with arginine.
Molecular consequence: missense variant.
Genome position (GRCh38, 1-based): chr11:6,634,010, T>C on the plus strand (A>G on the coding strand, the complement: DCHS1 is on the minus strand). VCF-style: chr11-6634010-T-C. GRCh37 (hg19) VCF-style: chr11-6655241-T-C.
Other names: short protein forms K666R.
Identifiers: ClinVar variation 2152562 (VCV002152562.4), dbSNP rs370633690, ClinGen allele CA5860830.